The following is an entry in ClinVar:

NM_001018005.2(TPM1):c.256G>A (p.Ala86Thr)

Gene: TPM1 (tropomyosin 1; plus strand). Cytogenetic location: 15q22.2.
Variant type: single nucleotide variant.
Coding change: c.256G>A on transcript NM_001018005.2 (MANE Select); coding-DNA position 256, G replaced by A.
Protein change: p.Ala86Thr; replaces alanine 86 with threonine.
Molecular consequence: missense variant.
Genome position (GRCh38, 1-based): chr15:63,057,000, G>A. VCF-style: chr15-63057000-G-A. GRCh37 (hg19) VCF-style: chr15-63349199-G-A.
Other names: c.256G>A, p.Ala86Thr (NM_000366.6, NM_001018004.2, NM_001018006.2 and 6 more transcripts); c.148G>A, p.Ala50Thr (NM_001018008.2, NM_001301289.2, NM_001330344.2 and 5 more transcripts); c.382G>A, p.Ala128Thr (NM_001365778.1); short protein forms A128T, A50T, A86T.
Identifiers: ClinVar variation 992587 (VCV000992587.6), dbSNP rs2034911718, ClinGen allele CA392720628.

ClinVar aggregate classification (germline): Conflicting classifications of pathogenicity. Review status: criteria provided, conflicting classifications (1 of 4 stars). 3 submissions from 3 submitters: Likely pathogenic (1); Uncertain significance (2). Last evaluated 2024-03-24.

Conditions:
Cardiovascular phenotype. Identifiers: MedGen CN230736.
Dilated cardiomyopathy 1Y (CMD1Y). Identifiers: Orphanet 154, Orphanet 54260, MedGen C2678476, MONDO:0012744, OMIM 611878.

Submissions (3):

Ambry Genetics
Classification: Uncertain significance for Cardiovascular phenotype. Last evaluated: 2024-03-24. Review status: criteria provided, single submitter. Criteria: Ambry Variant Classification Scheme 2023. Collection method: clinical testing. Allele origin: germline.
Comment: The p.A86T variant (also known as c.256G>A), located in coding exon 3 of the TPM1 gene, results from a G to A substitution at nucleotide position 256. The alanine at codon 86 is replaced by threonine, an amino acid with similar properties. This variant has been detected in an individual from a dilated cardiomyopathy cohort who also had an additional variant in another cardiac-related gene; however, clinical details were limited (Chanavat V et al. Clin Chim Acta, 2016 Jan;453:80-5). This amino acid position is highly conserved in available vertebrate species. In addition, this alteration is predicted to be deleterious by in silico analysis. Based on the available evidence, the clinical significance of this alteration remains unclear.

GeneDx
Classification: Uncertain significance. Last evaluated: 2021-04-07. Review status: criteria provided, single submitter. Criteria: GeneDx Variant Classification Process June 2021. Collection method: clinical testing. Allele origin: germline. Affected: yes.
Comment: Not observed in large population cohorts (Lek et al., 2016); In silico analysis supports that this missense variant has a deleterious effect on protein structure/function; This variant is associated with the following publications: (PMID: 26688388)

Institute of Human Genetics, University of Goettingen
Classification: Likely pathogenic for Dilated cardiomyopathy 1Y. Last evaluated: 2020-12-21. Review status: criteria provided, single submitter. Criteria: ACMG Guidelines, 2015. Collection method: clinical testing. Allele origin: unknown. Inheritance: Autosomal dominant inheritance. Affected: yes. Observed: 1 heterozygote.
Comment: The variant c.256G>A (p.(Ala86Thr)) in exon 3 of the TPM1-gene is not found in known databases (ExAC or gnomAD) and it has been published in the literature as a variant of unknown significance (PMID: 26688388). Another nucleotide change resulting in another amino acid change at the same position was described as pathogenic (c.257C>T, p.(Ala86Val); PMID: 31568572). The variant affects a highly conserved nucleotide, a highly conserved amino acid, there is a small physicochemical difference between Ala and Thr and the variant is located within a protein domain (Tropomyosin). This variant has a pathogenic computational verdict based on in silico prediction programs. Missense variants in TPM1 are a known mechanism of disease. Thus, we consider this TPM1-variant a likely pathogenic variant. ACMG criteria used for classification: PM1, PM2, PM5, PP2, PP3.

Literature cited by the submitters: PubMed 26688388 (cited by Ambry Genetics and Institute of Human Genetics, University of Goettingen).